The following is an entry in ClinVar:

ClinVar aggregate classification (germline): Conflicting classifications of pathogenicity. Review status: criteria provided, conflicting classifications (1 of 4 stars). 4 submissions from 4 submitters: Likely pathogenic (2); Uncertain significance (2). Last evaluated 2024-02-27.

Conditions:
Leukodystrophy, hypomyelinating, 10. Also called: PYCR2-related microcephaly-progressive leukoencephalopathy. Identifiers: Orphanet 481152, MedGen C4225332, MONDO:0014632, OMIM 616420.

Allele frequency attached by ClinVar (database versions not stated): gnomAD exomes 0.00001; TOPMed 0.00001; ExAC 0.00001; gnomAD 0.00001.
gnomAD v4.1: 10 of 1,613,900 alleles (0.00062%); highest among the groups gnomAD compares: East Asian, 0.0022%; no homozygotes.

Submissions (4):

Service de Génétique Médicale, Centre Hospitalier Universitaire de Nice-Université Côte d'Azur
Classification: Likely pathogenic for Leukodystrophy, hypomyelinating, 10. Last evaluated: 2024-02-27. Review status: criteria provided, single submitter. Criteria: ACMG Guidelines, 2015. Collection method: clinical testing. Allele origin: germline. Affected: yes.

Juno Genomics, Hangzhou Juno Genomics, Inc
Classification: Uncertain significance for Leukodystrophy, hypomyelinating, 10. Review status: criteria provided, single submitter. Criteria: ACMG Guidelines, 2015. Collection method: clinical testing. Allele origin: germline.
Comment: Absent from controls (or at extremely low frequency if recessive) in Genome Aggregation Database.;Multiple lines of computational evidence support a deleterious effect on the gene or gene product.

Laboratoire de Génétique Moléculaire, CHU Bordeaux
Classification: Likely pathogenic. Review status: criteria provided, single submitter. Criteria: ACMG Guidelines, 2015. Collection method: clinical testing. Allele origin: germline. Affected: yes.

Neuberg Centre For Genomic Medicine, NCGM
Classification: Uncertain significance for Leukodystrophy, hypomyelinating, 10. Review status: criteria provided, single submitter. Criteria: ACMG Guidelines, 2015. Collection method: clinical testing. Allele origin: germline. Affected: yes.
Comment: The missense variant p.R251H in PYCR2 (NM_013328.4) has been submitted to ClinVar as Likely Pathogenic. However no clinical details are available to make an independent assesment. The variant is present in the dimerization domain where previously missense mutations have been reported to be disease causing (Zaki SM et al,2017). Another missense variant in the same position Arg251Cys has been previously reported to be disease causing (Nakayama T et al,2015). The p.R251H variant is observed in 4 alleles in heterozygous state in the gnomAD database (0.001%).In silico tools predict the variant to be damaging and the residue is conserved across species. For these reasons, this variant has been classified as Uncertain Significance.

Literature cited by the submitters: PubMed 38703036 (cited by Service de Génétique Médicale, Centre Hospitalier Universitaire de Nice-Université Côte d'Azur).

NM_013328.4(PYCR2):c.752G>A (p.Arg251His)

Gene: PYCR2 (pyrroline-5-carboxylate reductase 2; minus strand). Cytogenetic location: 1q42.12.
Variant type: single nucleotide variant.
Coding change: c.752G>A on transcript NM_013328.4 (MANE Select); coding-DNA position 752, G replaced by A.
Protein change: p.Arg251His; replaces arginine 251 with histidine.
Molecular consequence: missense variant.
Genome position (GRCh38, 1-based): chr1:225,921,253, C>T on the plus strand (G>A on the coding strand, the complement: PYCR2 is on the minus strand). VCF-style: chr1-225921253-C-T. GRCh37 (hg19) VCF-style: chr1-226108953-C-T.
Other names: c.530G>A, p.Arg177His (NM_001271681.2); short protein forms R177H, R251H.
Identifiers: ClinVar variation 992853 (VCV000992853.6), dbSNP rs763294561, ClinGen allele CA1420107.